The following is an entry in ClinVar:

NM_000384.3(APOB):c.3488A>G (p.Lys1163Arg)

Gene: APOB (apolipoprotein B; minus strand). Cytogenetic location: 2p24.1.
Variant type: single nucleotide variant.
Coding change: c.3488A>G on transcript NM_000384.3 (MANE Select); coding-DNA position 3488, A replaced by G.
Protein change: p.Lys1163Arg; replaces lysine 1163 with arginine.
Molecular consequence: missense variant.
Genome position (GRCh38, 1-based): chr2:21,015,390, T>C on the plus strand (A>G on the coding strand, the complement: APOB is on the minus strand). VCF-style: chr2-21015390-T-C. GRCh37 (hg19) VCF-style: chr2-21238262-T-C.
Other names: short protein forms K1163R.
Identifiers: ClinVar variation 1731889 (VCV001731889.2), dbSNP rs2465387914, ClinGen allele CA346008981.
Genomic context (GRCh38, chr2:21,015,390, plus strand): 5'-ATTACTTTGGAAGTGCTCACACAGGGGAAGAGACACATACCATAATGCCATGCCACCCTC[T>C]TGGAAACTGTGGAGCCATAAGCTGTAGCAGATGAGTCCATTTGGAGAAGCAGTTTGGCAG-3'
Protein context (NP_000375.3, residues 1153-1173): SATAYGSTVS[Lys1163Arg]RVAWHYDEEK

ClinVar aggregate classification (germline): Uncertain significance (1 of 4 stars; one submission).

Conditions:
Cardiovascular phenotype. Identifiers: MedGen CN230736.

Submission:

Ambry Genetics
Classification: Uncertain significance for Cardiovascular phenotype. Last evaluated: 2022-06-09. Review status: criteria provided, single submitter. Criteria: Ambry Variant Classification Scheme 2023. Collection method: clinical testing. Allele origin: germline.
Comment: The p.K1163R variant (also known as c.3488A>G), located in coding exon 22 of the APOB gene, results from an A to G substitution at nucleotide position 3488. The lysine at codon 1163 is replaced by arginine, an amino acid with highly similar properties. This amino acid position is conserved. In addition, this alteration is predicted to be tolerated by in silico analysis. Since supporting evidence is limited at this time, the clinical significance of this alteration remains unclear.